The following is an entry in ClinVar:

NM_004082.5(DCTN1):c.1217G>A (p.Arg406Lys)

Gene: DCTN1 (dynactin subunit 1; minus strand). Cytogenetic location: 2p13.1.
Variant type: single nucleotide variant.
Coding change: c.1217G>A on transcript NM_004082.5 (MANE Select); coding-DNA position 1217, G replaced by A.
Protein change: p.Arg406Lys; replaces arginine 406 with lysine.
Molecular consequence: missense variant. On other transcripts: non-coding transcript variant (1).
Genome position (GRCh38, 1-based): chr2:74,370,256, C>T on the plus strand (G>A on the coding strand, the complement: DCTN1 is on the minus strand). VCF-style: chr2-74370256-C-T. GRCh37 (hg19) VCF-style: chr2-74597383-C-T.
Other names: p.Arg406Lys; c.1157G>A, p.Arg386Lys (NM_001135040.3); c.815G>A, p.Arg272Lys (NM_001135041.3, NM_023019.4); c.1106G>A, p.Arg369Lys (NM_001190836.2); c.1196G>A, p.Arg399Lys (NM_001190837.2); c.1166G>A, p.Arg389Lys (NM_001378991.1); c.1148G>A, p.Arg383Lys (NM_001378992.1); short protein forms R272K, R369K, R406K, R399K, R386K, R383K, R389K.
Identifiers: ClinVar variation 536144 (VCV000536144.18), dbSNP rs1040712616, ClinGen allele CA50476865.

ClinVar aggregate classification (germline): Uncertain significance. Review status: criteria provided, multiple submitters, no conflicts (2 of 4 stars). 5 submissions from 5 submitters: Uncertain significance (4). 1 of the submissions does not count toward it. Last evaluated 2025-12-22.

Conditions:
DCTN1-related disorder. Also called: DCTN1-related condition.
Inborn genetic diseases. Identifiers: MedGen C0950123, MeSH D030342.
Amyotrophic lateral sclerosis type 1 (ALS1). Also called: AMYOTROPHIC LATERAL SCLEROSIS 1, FAMILIAL. Identifiers: Orphanet 803, MedGen C1862939, MONDO:0007103, OMIM 105400.
Perry syndrome. Also called: PARKINSONISM WITH ALVEOLAR HYPOVENTILATION AND MENTAL DEPRESSION. Identifiers: Orphanet 178509, MedGen C1868594, MONDO:0008201, OMIM 168605.
Neuronopathy, distal hereditary motor, type 7B. Also called: HMN VIIB; LOWER MOTOR NEURON DISEASE, DYNACTIN TYPE; Distal Hereditary Motor Neuronopathy Type 7B (dHMN7B); NEURONOPATHY, DISTAL HEREDITARY MOTOR, AUTOSOMAL DOMINANT 14; NEURONOPATHY, DISTAL HEREDITARY MOTOR, HARDING TYPE VIIB; NEUROPATHY, DISTAL HEREDITARY MOTOR, HARDING TYPE VIIB. Identifiers: Orphanet 139589, MedGen C1843315, MONDO:0011879, OMIM 607641.

Allele frequency attached by ClinVar (database versions not stated): gnomAD 0.00001; gnomAD exomes 0.00002; TOPMed 0.00003.
gnomAD v4.1: 30 of 1,613,970 alleles (0.0019%); highest among the groups gnomAD compares: Non-Finnish European, 0.0023%; no homozygotes.

Submissions (5):

Ambry Genetics
Classification: Uncertain significance for Inborn genetic diseases. Last evaluated: 2025-12-22. Review status: criteria provided, single submitter. Criteria: Ambry Variant Classification Scheme 2023. Collection method: clinical testing. Allele origin: germline.
Comment: The c.1217G>A (p.R406K) alteration is located in exon 12 (coding exon 12) of the DCTN1 gene. This alteration results from a G to A substitution at nucleotide position 1217, causing the arginine (R) at amino acid position 406 to be replaced by a lysine (K). The alteration has been observed in population databases: Based on data from the Genome Aggregation Database (gnomAD), the c.1217G>A alteration was observed in 0.002% (7/282,650) of total alleles studied. The altered amino acid is conserved throughout evolution: The p.R406 amino acid is conserved in available vertebrate species. In silico prediction is conflicting: The p.R406K alteration is predicted to be possibly damaging by Polyphen and tolerated by SIFT in silico analyses. Based on insufficient or conflicting evidence, the clinical significance of this alteration remains unclear.

Labcorp Genetics (formerly Invitae), Labcorp
Classification: Uncertain significance for Amyotrophic lateral sclerosis type 1; Neuronopathy, distal hereditary motor, type 7B; Perry syndrome. Last evaluated: 2024-12-02. Review status: criteria provided, single submitter. Criteria: Invitae Variant Classification Sherloc (09022015). Collection method: clinical testing. Allele origin: germline.
Comment: This sequence change replaces arginine, which is basic and polar, with lysine, which is basic and polar, at codon 406 of the DCTN1 protein (p.Arg406Lys). This variant is present in population databases (no rsID available, gnomAD 0.006%). This variant has not been reported in the literature in individuals affected with DCTN1-related conditions. ClinVar contains an entry for this variant (Variation ID: 536144). Invitae Evidence Modeling of protein sequence and biophysical properties (such as structural, functional, and spatial information, amino acid conservation, physicochemical variation, residue mobility, and thermodynamic stability) indicates that this missense variant is not expected to disrupt DCTN1 protein function with a negative predictive value of 95%. In summary, the available evidence is currently insufficient to determine the role of this variant in disease. Therefore, it has been classified as a Variant of Uncertain Significance.

Women's Health and Genetics/Laboratory Corporation of America, LabCorp
Classification: Uncertain significance. Last evaluated: 2024-01-31. Review status: criteria provided, single submitter. Criteria: LabCorp Variant Classification Summary - May 2015. Collection method: clinical testing. Allele origin: germline.
Comment: Variant summary: DCTN1 c.1217G>A (p.Arg406Lys) results in a conservative amino acid change in the encoded protein sequence. Four of five in-silico tools predict a benign effect of the variant on protein function. The variant allele was found at a frequency of 2.4e-05 in 251248 control chromosomes. The available data on variant occurrences in the general population are insufficient to allow any conclusion about variant significance. To our knowledge, no occurrence of c.1217G>A in individuals affected with DCTN1-Related Disorders and no experimental evidence demonstrating its impact on protein function have been reported. ClinVar contains an entry for this variant (Variation ID: 536144). Based on the evidence outlined above, the variant was classified as uncertain significance.

Mayo Clinic Laboratories, Mayo Clinic
Classification: Uncertain significance. Last evaluated: 2023-09-21. Review status: criteria provided, single submitter. Criteria: ACMG Guidelines, 2015. Collection method: clinical testing. Allele origin: germline. Observed: 1 variant allele.

PreventionGenetics, part of Exact Sciences
Classification: Uncertain significance for DCTN1-related condition. Last evaluated: 2024-04-02. Review status: no assertion criteria provided. Collection method: clinical testing. Allele origin: germline. Not counted in ClinVar's aggregate classification.
Comment: The DCTN1 c.1217G>A variant is predicted to result in the amino acid substitution p.Arg406Lys. To our knowledge, this variant has not been reported in the literature. This variant is reported in 0.0054% of alleles in individuals of European (Non-Finnish) descent in gnomAD. At this time, the clinical significance of this variant is uncertain due to the absence of conclusive functional and genetic evidence.